The following is an entry in ClinVar:

NM_000548.5(TSC2):c.1850T>A (p.Phe617Tyr)

Gene: TSC2 (TSC complex subunit 2; plus strand). Cytogenetic location: 16p13.3.
Variant type: single nucleotide variant.
Coding change: c.1850T>A on transcript NM_000548.5 (MANE Select); coding-DNA position 1850, T replaced by A.
Protein change: p.Phe617Tyr; replaces phenylalanine 617 with tyrosine.
Molecular consequence: missense variant.
Genome position (GRCh38, 1-based): chr16:2,071,520, T>A. VCF-style: chr16-2071520-T-A. GRCh37 (hg19) VCF-style: chr16-2121521-T-A.
Other names: c.1250T>A, p.Phe417Tyr (NM_001406683.1, NM_001406684.1, NM_001406685.1 and 6 more transcripts); c.506T>A, p.Phe169Tyr (NM_001406689.1, NM_001406690.1, NM_001406691.1 and 6 more transcripts); c.1850T>A, p.Phe617Tyr (NM_001077183.3, NM_001114382.3, NM_001363528.2 and 6 more transcripts); c.1739T>A, p.Phe580Tyr (NM_001318827.2, NM_001406670.1, NM_001406678.1); c.1703T>A, p.Phe568Tyr (NM_001318829.2, NM_001406675.1, NM_001406676.1 and 1 more transcripts); c.1883T>A, p.Phe628Tyr (NM_001318832.2); c.1940T>A, p.Phe647Tyr (NM_001406667.1, NM_001406668.1); c.1838T>A, p.Phe613Tyr (NM_001406671.1, NM_001406673.1); and 3 more; short protein forms F568Y, F580Y, F617Y, F628Y, F598Y, F613Y, F647Y, F463Y.
Identifiers: ClinVar variation 1781321 (VCV001781321.6), dbSNP rs2543672929, ClinGen allele CA394273049.

ClinVar aggregate classification (germline): Uncertain significance. Review status: criteria provided, multiple submitters, no conflicts (2 of 4 stars). 2 submissions from 2 submitters: Uncertain significance (2). Last evaluated 2025-02-13.

Conditions:
Tuberous sclerosis 2 (TSC2). Identifiers: Orphanet 805, MedGen C1860707, MONDO:0013199, OMIM 613254.
Hereditary cancer-predisposing syndrome. Also called: Tumor predisposition; Neoplastic Syndromes, Hereditary; Hereditary Cancer Syndrome; Hereditary neoplastic syndrome. Identifiers: Orphanet 140162, MedGen C0027672, MeSH D009386, MONDO:0015356.

Submissions (2):

Ambry Genetics
Classification: Uncertain significance for Hereditary cancer-predisposing syndrome. Last evaluated: 2025-02-13. Review status: criteria provided, single submitter. Criteria: Ambry Variant Classification Scheme 2023. Collection method: clinical testing. Allele origin: germline.
Comment: The p.F617Y variant (also known as c.1850T>A), located in coding exon 17 of the TSC2 gene, results from a T to A substitution at nucleotide position 1850. The phenylalanine at codon 617 is replaced by tyrosine, an amino acid with highly similar properties. This amino acid position is highly conserved in available vertebrate species. In addition, the in silico prediction for this alteration is inconclusive. Based on the available evidence, the clinical significance of this variant remains unclear.

Labcorp Genetics (formerly Invitae), Labcorp
Classification: Uncertain significance for Tuberous sclerosis 2. Last evaluated: 2024-05-02. Review status: criteria provided, single submitter. Criteria: Invitae Variant Classification Sherloc (09022015). Collection method: clinical testing. Allele origin: germline.
Comment: This sequence change replaces phenylalanine, which is neutral and non-polar, with tyrosine, which is neutral and polar, at codon 617 of the TSC2 protein (p.Phe617Tyr). This variant is not present in population databases (gnomAD no frequency). This variant has not been reported in the literature in individuals affected with TSC2-related conditions. ClinVar contains an entry for this variant (Variation ID: 1781321). Advanced modeling of protein sequence and biophysical properties (such as structural, functional, and spatial information, amino acid conservation, physicochemical variation, residue mobility, and thermodynamic stability) performed at Invitae indicates that this missense variant is not expected to disrupt TSC2 protein function with a negative predictive value of 95%. In summary, the available evidence is currently insufficient to determine the role of this variant in disease. Therefore, it has been classified as a Variant of Uncertain Significance.